The following is an entry in ClinVar:

ClinVar aggregate classification (germline): Pathogenic. Review status: reviewed by expert panel (3 of 4 stars). 4 submissions from 4 submitters: Pathogenic (1). 3 of the submissions do not count toward it. Last evaluated 2020-10-05.

Conditions:
Glycogen storage disease, type II (IOPD). Also called: CARDIOMEGALIA GLYCOGENICA DIFFUSA; GLYCOGENOSIS, GENERALIZED, CARDIAC FORM; GSD II; Glycogen storage disease type 2; Acid maltase deficiency disease; Aglucosidase alfa. Identifiers: Orphanet 365, MedGen C0017921, MONDO:0009290, OMIM 232300.

Submissions (4):

ClinGen Lysosomal Storage Disorder Variant Curation Expert Panel
Classification: Pathogenic for Glycogen storage disease, type II. Last evaluated: 2020-10-05. Review status: reviewed by expert panel. Criteria: ClinGen LSD ACMG Specifications v1. Collection method: curation. Allele origin: germline. Inheritance: Autosomal recessive inheritance.
Comment: This variant, c.1075G>T (p.Gly359Ter), is predicted to result in a premature stop codon and nonsense-mediated decay, resulting in lack of gene product. Of note, the variant alters the last nucleotide of exon 6 and splicing predictors indicate that splicing may be impacted. The impact of a splicing defect, if it occurs, is not known. However, a patient with infantile onset Pompe disease who is homozygous for the variant has no GAA cross reactive immunological material in cultured skin fibroblasts i.e. CRIM-negative, indicating that the variant results in lack of GAA protein. Based on this data, PVS1 was applied. The variant is absent in gnomAD v2.1.1 meeting PM2. There is a ClinVar entry for this variant (Variation ID: 420101, 2 star review status) with two submitters classifying the variant as pathogenic. In summary, this variant meets the criteria to be classified as pathogenic for Pompe disease. GAA-specific ACMG/AMP criteria applied, as specified by the ClinGen LSD VCEP: PVS1, PM2, PM3_Supporting, PP4.

Genomenon, Inc
Classification: Pathogenic for Glycogen storage disease, type II. Last evaluated: 2026-07-01. Review status: criteria provided, single submitter. Criteria: Genomenon Sequence Variant Interpretation Standards - Updated. Collection method: curation. Allele origin: germline. Affected: yes. Not counted in ClinVar's aggregate classification.
Comment: GAA p.Gly359Ter (c.1075G>T) is a nonsense variant that introduces a premature stop codon at amino acid position 359 and is predicted to result in a truncated or absent protein product. This variant has been observed in at least one proband with a GAA-related disorder (PMID:25741864). It is absent or not present at a significant frequency in gnomAD. In conclusion, we classify GAA p.Gly359Ter (c.1075G>T) as a pathogenic variant.

GeneDx
Classification: Pathogenic. Last evaluated: 2019-09-30. Review status: criteria provided, single submitter. Criteria: GeneDx Variant Classification Process June 2021. Collection method: clinical testing. Allele origin: germline. Affected: yes. Not counted in ClinVar's aggregate classification.
Comment: Nonsense variant predicted to result in protein truncation or nonsense mediated decay in a gene for which loss-of-function is a known mechanism of disease; Not observed in large population cohorts (Lek et al., 2016); This variant is associated with the following publications: (PMID: 29122469, 25525159, 19775921, 17643989, 22644586)

Labcorp Genetics (formerly Invitae), Labcorp
Classification: Pathogenic for Glycogen storage disease, type II. Last evaluated: 2019-09-10. Review status: criteria provided, single submitter. Criteria: Invitae Variant Classification Sherloc (09022015). Collection method: clinical testing. Allele origin: germline. Not counted in ClinVar's aggregate classification.
Comment: Algorithms developed to predict the effect of sequence changes on RNA splicing suggest that this variant may disrupt the consensus splice site, but this prediction has not been confirmed by published transcriptional studies. This sequence change creates a premature translational stop signal (p.Gly359*) in the GAA gene. It is expected to result in an absent or disrupted protein product. This variant is not present in population databases (ExAC no frequency). This variant has been observed in an individual affected with Pompe disease (PMID: 19775921). ClinVar contains an entry for this variant (Variation ID: 420101). Loss-of-function variants in GAA are known to be pathogenic (PMID: 18425781, 22252923). For these reasons, this variant has been classified as Pathogenic.

Literature cited by the submitters: PubMed 29122469 (cited by ClinGen Lysosomal Storage Disorder Variant Curation Expert Panel); PubMed 25741864 (cited by ClinGen Lysosomal Storage Disorder Variant Curation Expert Panel and Genomenon, Inc); PubMed 19775921 (cited by Labcorp Genetics (formerly Invitae), Labcorp); PubMed 18425781 (cited by Labcorp Genetics (formerly Invitae), Labcorp); PubMed 22252923 (cited by Labcorp Genetics (formerly Invitae), Labcorp).

NM_000152.5(GAA):c.1075G>T (p.Gly359Ter)

Gene: GAA (alpha glucosidase; plus strand). Cytogenetic location: 17q25.3.
Variant type: single nucleotide variant.
Coding change: c.1075G>T on transcript NM_000152.5 (MANE Select); coding-DNA position 1075, G replaced by T.
Protein change: p.Gly359Ter; replaces glycine 359 with a stop codon.
Molecular consequence: nonsense.
Genome position (GRCh38, 1-based): chr17:80,108,409, G>T. VCF-style: chr17-80108409-G-T. GRCh37 (hg19) VCF-style: chr17-78082208-G-T.
Other names: c.1075G>T (LRG_673t1); c.1075G>T, p.Gly359Ter (NM_001079803.3, NM_001079804.3); short protein forms G359*.
Identifiers: ClinVar variation 420101 (VCV000420101.18), dbSNP rs1064794288, ClinGen allele CA16620646.